The following is an entry in ClinVar:

NM_198880.3(QRICH1):c.1642C>G (p.Leu548Val)

Gene: QRICH1 (glutamine rich 1; minus strand). Cytogenetic location: 3p21.31.
Variant type: single nucleotide variant.
Coding change: c.1642C>G on transcript NM_198880.3 (MANE Select); coding-DNA position 1642, C replaced by G.
Protein change: p.Leu548Val; replaces leucine 548 with valine.
Molecular consequence: missense variant.
Genome position (GRCh38, 1-based): chr3:49,046,454, G>C on the plus strand (C>G on the coding strand, the complement: QRICH1 is on the minus strand). VCF-style: chr3-49046454-G-C. GRCh37 (hg19) VCF-style: chr3-49083887-G-C.
Other names: c.1642C>G, p.Leu548Val (NM_001320580.2, NM_001320581.2, NM_001320582.2 and 4 more transcripts); short protein forms L548V.
Identifiers: ClinVar variation 3661480 (VCV003661480.2).
Genomic context (GRCh38, chr3:49,046,454, plus strand): 5'-AAACATGTTCTTGTGAAGATCTGTTTCCTACCTTTTGAATACACAGGAAAATATAGTAGA[G>C]CACATCTGGGTCATAGGGTTCACCTTCTCCATTTCGAGCTTCCCGTGTCATTAGACAGAG-3'
Protein context (NP_942581.1, residues 538-558): GEGEPYDPDV[Leu548Val]YYIFLCIQKY

ClinVar aggregate classification (germline): Uncertain significance (1 of 4 stars; one submission).

Submission:

Labcorp Genetics (formerly Invitae), Labcorp
Classification: Uncertain significance. Last evaluated: 2024-08-07. Review status: criteria provided, single submitter. Criteria: Invitae Variant Classification Sherloc (09022015). Collection method: clinical testing. Allele origin: germline.
Comment: This sequence change replaces leucine, which is neutral and non-polar, with valine, which is neutral and non-polar, at codon 548 of the QRICH1 protein (p.Leu548Val). This variant is not present in population databases (gnomAD no frequency). This variant has not been reported in the literature in individuals affected with QRICH1-related conditions. An algorithm developed to predict the effect of missense changes on protein structure and function (PolyPhen-2) suggests that this variant is likely to be disruptive. In summary, the available evidence is currently insufficient to determine the role of this variant in disease. Therefore, it has been classified as a Variant of Uncertain Significance.